The following is an entry in ClinVar:

NM_001174089.2(SLC4A11):c.1093T>C (p.Phe365Leu)

Gene: SLC4A11 (solute carrier family 4 member 11; minus strand). Cytogenetic location: 20p13.
Variant type: single nucleotide variant.
Coding change: c.1093T>C on transcript NM_001174089.2 (MANE Select); coding-DNA position 1093, T replaced by C.
Protein change: p.Phe365Leu; replaces phenylalanine 365 with leucine.
Molecular consequence: missense variant. On other transcripts: non-coding transcript variant (3).
Genome position (GRCh38, 1-based): chr20:3,231,008, A>G on the plus strand (T>C on the coding strand, the complement: SLC4A11 is on the minus strand). VCF-style: chr20-3231008-A-G. GRCh37 (hg19) VCF-style: chr20-3211654-A-G.
Other names: c.1222T>C, p.Phe408Leu (NM_001174090.2, NM_001400280.1); c.1093T>C, p.Phe365Leu (NM_001363745.2); c.1036T>C, p.Phe346Leu (NM_001400277.1, NM_001400278.1, NM_001400279.1); c.1141T>C, p.Phe381Leu (NM_032034.4); short protein forms F365L, F381L, F346L, F408L.
Identifiers: ClinVar variation 2469259 (VCV002469259.3), dbSNP rs769441809, ClinGen allele CA9741996.

ClinVar aggregate classification (germline): Uncertain significance. Review status: criteria provided, multiple submitters, no conflicts (2 of 4 stars). 2 submissions from 2 submitters: Uncertain significance (2). Last evaluated 2024-10-26.

Conditions:
Inborn genetic diseases. Identifiers: MedGen C0950123, MeSH D030342.
SLC4A11-related disorder. Also called: SLC4A11-related condition.

Allele frequency attached by ClinVar (database versions not stated): gnomAD exomes 0.00001; TOPMed 0.00003; gnomAD 0.00005; ExAC 0.00007.

Submissions (2):

PreventionGenetics, part of Exact Sciences
Classification: Uncertain significance for SLC4A11-related condition. Last evaluated: 2024-10-26. Review status: criteria provided, single submitter. Criteria: ACMG Guidelines, 2015. Collection method: clinical testing. Allele origin: germline.
Comment: The SLC4A11 c.1141T>C variant is predicted to result in the amino acid substitution p.Phe381Leu. To our knowledge, this variant has not been reported in the literature. This variant is reported in 0.13% of alleles in individuals of East Asian descent in gnomAD. Although we suspect that this variant may be benign, at this time, the clinical significance of this variant is uncertain due to the absence of conclusive functional and genetic evidence.

Ambry Genetics
Classification: Uncertain significance for Inborn genetic diseases. Last evaluated: 2023-02-28. Review status: criteria provided, single submitter. Criteria: Ambry Variant Classification Scheme 2023. Collection method: clinical testing. Allele origin: germline.